The following is an entry in ClinVar:

ClinVar aggregate classification (germline): Pathogenic (1 of 4 stars; one submission).

Conditions:
SIN3A-related intellectual disability syndrome due to a point mutation. Also called: WITTEVEEN-KOLK SYNDROME; 15q24 Microdeletion Syndrome. Identifiers: Orphanet 500166, Orphanet 94065, MedGen C4310804, MONDO:0044700, OMIM 613406.

Submission:

Institute of Human Genetics, University of Leipzig Medical Center
Classification: Pathogenic for SIN3A-related intellectual disability syndrome due to a point mutation. Last evaluated: 2025-11-03. Review status: criteria provided, single submitter. Criteria: ACMG Guidelines, 2015. Collection method: clinical testing. Allele origin: de novo. Inheritance: Autosomal dominant inheritance. Affected: yes.
Comment: Criteria applied: PVS1,PM2,PS2_MOD

NM_001145358.2(SIN3A):c.473+2T>A

Gene: SIN3A (SIN3 transcription regulator family member A; minus strand). Cytogenetic location: 15q24.2.
Variant type: single nucleotide variant.
Coding change: c.473+2T>A on transcript NM_001145358.2 (MANE Select); the canonical splice donor site of the intron after coding-DNA position 473, T replaced by A.
Molecular consequence: splice donor variant.
Genome position (GRCh38, 1-based): chr15:75,414,203, A>T on the plus strand (T>A on the coding strand, the complement: SIN3A is on the minus strand). VCF-style: chr15-75414203-A-T. GRCh37 (hg19) VCF-style: chr15-75706544-A-T.
Other names: c.473+2T>A (NM_001437463.1, NM_001145357.2, NM_001437462.1 and 1 more transcripts).
Identifiers: ClinVar variation 4533313 (VCV004533313.2).
Genomic context (GRCh38, chr15:75,414,203, plus strand): 5'-CCTCTTCCTTCCAAAATCAATATGCCAGATACAAAGCTTGAGTACAATCACACATCTTTT[A>T]CCTCTGAGATTTAAATTCCTTCATGATGTCAAGGAAATCATTGTAGACCTGAGGCTGACT-3'